The following is an entry in ClinVar:

ClinVar aggregate classification (germline): Uncertain significance (1 of 4 stars; one submission).

Conditions:
Chondrodysplasia punctata, brachytelephalangic, autosomal. Also called: BRACHYTELEPHALANGIC CHONDRODYSPLASIA PUNCTATA. Identifiers: MedGen C1844853, MONDO:0011238, OMIM 602497.

gnomAD v4.1: 1 of 1,210,835 alleles (0.000083%); no homozygotes.

Submission:

Labcorp Genetics (formerly Invitae), Labcorp
Classification: Uncertain significance for Chondrodysplasia punctata, brachytelephalangic, autosomal. Last evaluated: 2022-07-18. Review status: criteria provided, single submitter. Criteria: Invitae Variant Classification Sherloc (09022015). Collection method: clinical testing. Allele origin: germline.
Comment: This variant is not present in population databases (gnomAD no frequency). This sequence change replaces methionine, which is neutral and non-polar, with isoleucine, which is neutral and non-polar, at codon 474 of the ARSE protein (p.Met474Ile). This variant has not been reported in the literature in individuals affected with ARSE-related conditions. ClinVar contains an entry for this variant (Variation ID: 1017388). Algorithms developed to predict the effect of missense changes on protein structure and function (SIFT, PolyPhen-2, Align-GVGD) all suggest that this variant is likely to be tolerated. In summary, the available evidence is currently insufficient to determine the role of this variant in disease. Therefore, it has been classified as a Variant of Uncertain Significance.

NM_000047.3(ARSL):c.1422G>C (p.Met474Ile)

Gene: ARSL (arylsulfatase L; minus strand). Cytogenetic location: Xp22.33.
Variant type: single nucleotide variant.
Coding change: c.1422G>C on transcript NM_000047.3 (MANE Select); coding-DNA position 1422, G replaced by C.
Protein change: p.Met474Ile; replaces methionine 474 with isoleucine.
Molecular consequence: missense variant.
Genome position (GRCh38, 1-based): chrX:2,935,180, C>G on the plus strand (G>C on the coding strand, the complement: ARSL is on the minus strand). VCF-style: chrX-2935180-C-G. GRCh37 (hg19) VCF-style: chrX-2853221-C-G.
Other names: c.1497G>C, p.Met499Ile (NM_001282628.2, NM_001369080.1); c.1260G>C, p.Met420Ile (NM_001282631.2); c.1449G>C, p.Met483Ile (NM_001369079.1); short protein forms M420I, M474I, M483I, M499I.
Identifiers: ClinVar variation 1017388 (VCV001017388.10), dbSNP rs2089180172, ClinGen allele CA412275944.
Genomic context (GRCh38, chrX:2,935,180, plus strand): 5'-TCCATAGCAGGCACCGGCTCCCTCTGGCTGGAACACAGGCGTCACAAAGTGGACTTTCCA[C>G]ATTGTTCCTCCTGGTGGAAAGATAATCATTACAGAGTTGGCATAGAGAAATAGGGTGCCT-3'
Protein context (NP_000038.2, residues 464-484): ARWHQRDRGT[Met474Ile]WKVHFVTPVF